The following is an entry in ClinVar:

NM_006017.3(PROM1):c.1166T>C (p.Ile389Thr)

Gene: PROM1 (prominin 1; minus strand). Cytogenetic location: 4p15.32.
Variant type: single nucleotide variant.
Coding change: c.1166T>C on transcript NM_006017.3 (MANE Select); coding-DNA position 1166, T replaced by C.
Protein change: p.Ile389Thr; replaces isoleucine 389 with threonine.
Molecular consequence: missense variant.
Genome position (GRCh38, 1-based): chr4:16,009,084, A>G on the plus strand (T>C on the coding strand, the complement: PROM1 is on the minus strand). VCF-style: chr4-16009084-A-G. GRCh37 (hg19) VCF-style: chr4-16010707-A-G.
Other names: c.1139T>C, p.Ile380Thr (NM_001145847.2, NM_001145848.2, NM_001145851.2 and 4 more transcripts); c.1166T>C, p.Ile389Thr (NM_001145849.2, NM_001145850.2); short protein forms I380T, I389T.
Identifiers: ClinVar variation 936599 (VCV000936599.10), dbSNP rs760353791, ClinGen allele CA2866844.

ClinVar aggregate classification (germline): Uncertain significance. Review status: criteria provided, multiple submitters, no conflicts (2 of 4 stars). 2 submissions from 2 submitters: Uncertain significance (2). Last evaluated 2022-02-03.

Allele frequency attached by ClinVar (database versions not stated): gnomAD exomes below 0.00001; TOPMed below 0.00001; ExAC 0.00001; gnomAD 0.00001.
gnomAD v4.1: 3 of 1,612,922 alleles (0.00019%); highest among the groups gnomAD compares: East Asian, 0.0022%; no homozygotes.

Submissions (2):

Labcorp Genetics (formerly Invitae), Labcorp
Classification: Uncertain significance. Last evaluated: 2022-02-03. Review status: criteria provided, single submitter. Criteria: Invitae Variant Classification Sherloc (09022015). Collection method: clinical testing. Allele origin: germline.
Comment: In summary, the available evidence is currently insufficient to determine the role of this variant in disease. Therefore, it has been classified as a Variant of Uncertain Significance. Algorithms developed to predict the effect of missense changes on protein structure and function (SIFT, PolyPhen-2, Align-GVGD) all suggest that this variant is likely to be tolerated. ClinVar contains an entry for this variant (Variation ID: 936599). This variant has not been reported in the literature in individuals affected with PROM1-related conditions. This variant is present in population databases (rs760353791, gnomAD 0.006%). This sequence change replaces isoleucine, which is neutral and non-polar, with threonine, which is neutral and polar, at codon 389 of the PROM1 protein (p.Ile389Thr).

Blueprint Genetics
Classification: Uncertain significance. Last evaluated: 2019-09-12. Review status: criteria provided, single submitter. Criteria: ACMG Guidelines, 2015. Collection method: clinical testing. Allele origin: germline.